The following is an entry in ClinVar:

NM_015599.3(PGM3):c.1050G>T (p.Lys350Asn)

Gene: PGM3 (phosphoglucomutase 3; minus strand). Cytogenetic location: 6q14.1.
Variant type: single nucleotide variant.
Coding change: c.1050G>T on transcript NM_015599.3 (MANE Select); coding-DNA position 1050, G replaced by T.
Protein change: p.Lys350Asn; replaces lysine 350 with asparagine.
Molecular consequence: missense variant. On other transcripts: non-coding transcript variant (1).
Genome position (GRCh38, 1-based): chr6:83,176,040, C>A on the plus strand (G>T on the coding strand, the complement: PGM3 is on the minus strand). VCF-style: chr6-83176040-C-A. GRCh37 (hg19) VCF-style: chr6-83885759-C-A.
Other names: c.1134G>T, p.Lys378Asn (NM_001199917.2, NM_001367287.1); c.807G>T, p.Lys269Asn (NM_001199918.2); c.1050G>T, p.Lys350Asn (NM_001199919.2, NM_001367286.1); short protein forms K269N, K350N, K378N.
Identifiers: ClinVar variation 3689010 (VCV003689010.2).

ClinVar aggregate classification (germline): Uncertain significance (1 of 4 stars; one submission).

Conditions:
Immunodeficiency 23 (IMD23). Also called: IMMUNODEFICIENCY WITH HYPER IgE AND COGNITIVE IMPAIRMENT; IMMUNODEFICIENCY-VASCULITIS-MYOCLONUS SYNDROME. Identifiers: Orphanet 443811, MedGen C4014371, MONDO:0014353, OMIM 615816.

gnomAD v4.1: 3 of 1,600,650 alleles (0.00019%); highest among the groups gnomAD compares: Non-Finnish European, 0.00017%; no homozygotes.

Submission:

Labcorp Genetics (formerly Invitae), Labcorp
Classification: Uncertain significance for Immunodeficiency 23. Last evaluated: 2024-08-11. Review status: criteria provided, single submitter. Criteria: Invitae Variant Classification Sherloc (09022015). Collection method: clinical testing. Allele origin: germline.
Comment: This sequence change replaces lysine, which is basic and polar, with asparagine, which is neutral and polar, at codon 378 of the PGM3 protein (p.Lys378Asn). This variant is not present in population databases (gnomAD no frequency). This variant has not been reported in the literature in individuals affected with PGM3-related conditions. An algorithm developed to predict the effect of missense changes on protein structure and function (PolyPhen-2) suggests that this variant is likely to be tolerated. In summary, the available evidence is currently insufficient to determine the role of this variant in disease. Therefore, it has been classified as a Variant of Uncertain Significance.